The following is an entry in ClinVar:

NM_004320.6(ATP2A1):c.607del (p.Asp203fs)

Gene: ATP2A1 (ATPase sarcoplasmic/endoplasmic reticulum Ca2+ transporting 1; plus strand). Cytogenetic location: 16p11.2.
Variant type: Deletion.
Coding change: c.607del on transcript NM_004320.6 (MANE Select); coding-DNA position 607, one base deleted (G; older notation c.607delG).
Protein change: p.Asp203fs; shifts the reading frame from aspartic acid 203.
Molecular consequence: frameshift variant.
Genome position (GRCh38, 1-based): chr16:28,887,251, G deleted; the last of 2 consecutive G bases (chr16:28,887,250-28,887,251); deleting either gives the same sequence. VCF-style (leftmost placement, unchanged base first): chr16-28887249-AG-A. GRCh37 (hg19) VCF-style: chr16-28898570-AG-A.
Other names: c.232del, p.Asp78fs (NM_001286075.2); c.607del, p.Asp203fs (NM_173201.5); short protein forms D203fs, D78fs.
Identifiers: ClinVar variation 4777162 (VCV004777162.1).

ClinVar aggregate classification (germline): Pathogenic (1 of 4 stars; one submission).

Conditions:
Brody myopathy. Also called: BRODY DISEASE. Identifiers: Orphanet 53347, MedGen C1832918, MONDO:0010977, OMIM 601003.

Submission:

Labcorp Genetics (formerly Invitae), Labcorp
Classification: Pathogenic for Brody myopathy. Last evaluated: 2025-06-11. Review status: criteria provided, single submitter. Criteria: Invitae Variant Classification Sherloc (09022015). Collection method: clinical testing. Allele origin: germline.
Comment: This sequence change creates a premature translational stop signal (p.Asp203Thrfs*131) in the ATP2A1 gene. It is expected to result in an absent or disrupted protein product. Loss-of-function variants in ATP2A1 are known to be pathogenic (PMID: 8841193, 10914677, 23911890). This variant is not present in population databases (gnomAD no frequency). This variant has not been reported in the literature in individuals affected with ATP2A1-related conditions. For these reasons, this variant has been classified as Pathogenic.

Literature cited by the submitters: PubMed 8841193; PubMed 10914677; PubMed 23911890.